The following is an entry in ClinVar:

ClinVar aggregate classification (germline): Uncertain significance. Review status: criteria provided, multiple submitters, no conflicts (2 of 4 stars). 2 submissions from 2 submitters: Uncertain significance (2). Last evaluated 2024-10-25.

Conditions:
Anauxetic dysplasia. Identifiers: Orphanet 93347, MedGen C1846796, MONDO:0011773.

Allele frequency attached by ClinVar (database versions not stated): ExAC 0.00009; 1000 Genomes Project 30x 0.00016; 1000 Genomes Project 0.00020.
gnomAD v4.1: 25 of 692,410 alleles (0.0036%); highest among the groups gnomAD compares: Admixed American, 0.014%; no homozygotes.

Submissions (2):

Labcorp Genetics (formerly Invitae), Labcorp
Classification: Uncertain significance for Anauxetic dysplasia. Last evaluated: 2024-10-25. Review status: criteria provided, single submitter. Criteria: Invitae Variant Classification Sherloc (09022015). Collection method: clinical testing. Allele origin: germline.
Comment: This variant occurs in the RMRP gene, which encodes an RNA molecule that does not result in a protein product. This variant is present in population databases (rs192060920, gnomAD 0.02%). This variant has not been reported in the literature in individuals affected with RMRP-related conditions. ClinVar contains an entry for this variant (Variation ID: 2197654). Experimental studies and prediction algorithms are not available or were not evaluated, and the functional significance of this variant is currently unknown. This variant disrupts the n.212C nucleotide in the RMRP gene. Other variant(s) that disrupt this nucleotide have been determined to be pathogenic (PMID: 12107819, 16838329). This suggests that this nucleotide is clinically significant, and that variants that disrupt this position are likely to be disease-causing. In summary, the available evidence is currently insufficient to determine the role of this variant in disease. Therefore, it has been classified as a Variant of Uncertain Significance.

GeneDx
Classification: Uncertain significance. Last evaluated: 2024-08-12. Review status: criteria provided, single submitter. Criteria: GeneDx Variant Classification Process June 2021. Collection method: clinical testing. Allele origin: germline. Affected: yes.
Comment: Located in a loop of the RMRP non-coding RNA; Located at a position that is moderately conserved across species; Has not been previously published as pathogenic or benign to our knowledge; Also known as n.211C>T; This variant is associated with the following publications: (PMID: 17189938)

Literature cited by the submitters: PubMed 12107819 (cited by Labcorp Genetics (formerly Invitae), Labcorp); PubMed 16838329 (cited by Labcorp Genetics (formerly Invitae), Labcorp).

NC_000009.12:g.35657807G>A

Gene: RMRP (RNA component of mitochondrial RNA processing endoribonuclease; minus strand). Cytogenetic location: 9p13.3.
Variant type: single nucleotide variant.
Genome position: GRCh38 VCF-style: chr9-35657807-G-A. GRCh37 (hg19) VCF-style: chr9-35657804-G-A.
Identifiers: ClinVar variation 2197654 (VCV002197654.2), dbSNP rs192060920, ClinGen allele CA5045824.